The following is an entry in ClinVar:

NM_000501.4(ELN):c.297del (p.Ala100fs)

Gene: ELN (elastin; plus strand). Cytogenetic location: 7q11.23.
Variant type: Deletion.
Coding change: c.297del on transcript NM_000501.4 (MANE Select); coding-DNA position 297, one base deleted (T; older notation c.297delT).
Protein change: p.Ala100fs; shifts the reading frame from alanine 100.
Molecular consequence: frameshift variant.
Genome position (GRCh38, 1-based): chr7:74,042,678, T deleted. VCF-style (leftmost placement, unchanged base first): chr7-74042677-CT-C. GRCh37 (hg19) VCF-style: chr7-73457007-CT-C.
Other names: c.297del, p.Ala100fs (NM_001278915.2, NM_001278916.2, NM_001278939.2 and 4 more transcripts); c.267del, p.Ala90fs (NM_001278917.2, NM_001278918.2, NM_001081752.3 and 1 more transcripts); c.261del, p.Ala88fs (NM_001278913.2); short protein forms A100fs, A88fs, A90fs.
Identifiers: ClinVar variation 5018444 (VCV005018444.1).

ClinVar aggregate classification (germline): Pathogenic (1 of 4 stars; one submission).

Submission:

GeneDx
Classification: Pathogenic. Last evaluated: 2026-03-26. Review status: criteria provided, single submitter. Criteria: GeneDx Variant Classification Process June 2021. Collection method: clinical testing. Allele origin: germline.
Comment: Has not been previously published as pathogenic or benign to our knowledge; Not observed at significant frequency in large population cohorts (gnomAD); Frameshift variant predicted to result in protein truncation or nonsense mediated decay in a gene for which loss of function is a known mechanism of disease